The following is an entry in ClinVar:

ClinVar aggregate classification (germline): Uncertain significance. Review status: criteria provided, multiple submitters, no conflicts (2 of 4 stars). 2 submissions from 2 submitters: Uncertain significance (2). Last evaluated 2023-04-16.

Conditions:
Inborn genetic diseases. Identifiers: MedGen C0950123, MeSH D030342.
Early-infantile DEE. Also called: Early infantile epileptic encephalopathy with suppression bursts; Early infantile epileptic encephalopathy; Ohtahara syndrome. Identifiers: Orphanet 1934, MedGen C0393706, MONDO:0800491.

gnomAD v4.1: 2 of 1,611,864 alleles (0.00012%); highest among the groups gnomAD compares: Non-Finnish European, 0.00017%; no homozygotes.

Submissions (2):

Labcorp Genetics (formerly Invitae), Labcorp
Classification: Uncertain significance for Early-infantile DEE. Last evaluated: 2023-04-16. Review status: criteria provided, single submitter. Criteria: Invitae Variant Classification Sherloc (09022015). Collection method: clinical testing. Allele origin: germline.
Comment: This variant is not present in population databases (gnomAD no frequency). This sequence change replaces threonine, which is neutral and polar, with isoleucine, which is neutral and non-polar, at codon 1222 of the SCN1A protein (p.Thr1222Ile). This variant has not been reported in the literature in individuals affected with SCN1A-related conditions. In summary, the available evidence is currently insufficient to determine the role of this variant in disease. Therefore, it has been classified as a Variant of Uncertain Significance. Advanced modeling of protein sequence and biophysical properties (such as structural, functional, and spatial information, amino acid conservation, physicochemical variation, residue mobility, and thermodynamic stability) performed at Invitae indicates that this missense variant is expected to disrupt SCN1A protein function. ClinVar contains an entry for this variant (Variation ID: 2313708).

Ambry Genetics
Classification: Uncertain significance for Inborn genetic diseases. Last evaluated: 2022-09-27. Review status: criteria provided, single submitter. Criteria: Ambry Variant Classification Scheme 2023. Collection method: clinical testing. Allele origin: germline.

NM_001165963.4(SCN1A):c.3665C>T (p.Thr1222Ile)

Genes: SCN1A (sodium voltage-gated channel alpha subunit 1; minus strand), LOC102724058 (uncharacterized LOC102724058; plus strand). Cytogenetic location: 2q24.3.
Variant type: single nucleotide variant.
Coding change: c.3665C>T on transcript NM_001165963.4 (MANE Select); coding-DNA position 3665, C replaced by T.
Protein change: p.Thr1222Ile; replaces threonine 1222 with isoleucine.
Molecular consequence: missense variant. On other transcripts: non-coding transcript variant (1).
Genome position (GRCh38, 1-based): chr2:166,013,784, G>A on the plus strand (C>T on the coding strand, the complement: SCN1A is on the minus strand). VCF-style: chr2-166013784-G-A. GRCh37 (hg19) VCF-style: chr2-166870294-G-A.
Other names: c.3581C>T, p.Thr1194Ile (NM_001165964.3, NM_001353958.2, NM_001353957.2); c.3578C>T, p.Thr1193Ile (NM_001353960.2); c.1223C>T, p.Thr408Ile (NM_001353961.2); c.3632C>T, p.Thr1211Ile (NM_006920.6, NM_001353949.2, NM_001353950.2 and 2 more transcripts); c.3665C>T, p.Thr1222Ile (NM_001202435.3, NM_001353948.2); c.3629C>T, p.Thr1210Ile (NM_001353954.2, NM_001353955.2); short protein forms T1222I, T1194I, T1211I, T1210I, T1193I, T408I.
Identifiers: ClinVar variation 2313708 (VCV002313708.5), dbSNP rs1692866166, ClinGen allele CA349055889.
Genomic context (GRCh38, chr2:166,013,784, plus strand): 5'-CTTTTCTTAATCTCACTCACCAGAGCACCACTACTAAGGAGAATCATGAAAACAATGAAG[G>A]TCTCAAACCAGTTATGTTCAACTATTCGGAAACACGTCCTTCTCAGGTTCCACCATTGTT-3'
Protein context (NP_001159435.1, residues 1212-1232): FRIVEHNWFE[Thr1222Ile]FIVFMILLSS